The following is an entry in ClinVar:

ClinVar aggregate classification (germline): Uncertain significance (1 of 4 stars; one submission).

Conditions:
Epileptic encephalopathy. Identifiers: MedGen C0543888, HP:0200134.

Allele frequency attached by ClinVar (database versions not stated): ExAC 0.00003; gnomAD exomes 0.00004.
gnomAD v4.1: 56 of 1,611,372 alleles (0.0035%); highest among the groups gnomAD compares: Non-Finnish European, 0.0042%; 1 homozygote.

Submission:

Labcorp Genetics (formerly Invitae), Labcorp
Classification: Uncertain significance for Epileptic encephalopathy. Last evaluated: 2022-07-12. Review status: criteria provided, single submitter. Criteria: Invitae Variant Classification Sherloc (09022015). Collection method: clinical testing. Allele origin: germline.
Comment: In summary, the available evidence is currently insufficient to determine the role of this variant in disease. Therefore, it has been classified as a Variant of Uncertain Significance. Algorithms developed to predict the effect of missense changes on protein structure and function are either unavailable or do not agree on the potential impact of this missense change (SIFT: "Deleterious"; PolyPhen-2: "Possibly Damaging"; Align-GVGD: "Class C0"). ClinVar contains an entry for this variant (Variation ID: 844257). This variant has not been reported in the literature in individuals affected with RYR3-related conditions. This variant is present in population databases (rs771648147, gnomAD 0.008%). This sequence change replaces alanine, which is neutral and non-polar, with threonine, which is neutral and polar, at codon 371 of the RYR3 protein (p.Ala371Thr).

NM_001036.6(RYR3):c.1111G>A (p.Ala371Thr)

Gene: RYR3 (ryanodine receptor 3; plus strand). Cytogenetic location: 15q14.
Variant type: single nucleotide variant.
Coding change: c.1111G>A on transcript NM_001036.6 (MANE Select); coding-DNA position 1111, G replaced by A.
Protein change: p.Ala371Thr; replaces alanine 371 with threonine.
Molecular consequence: missense variant.
Genome position (GRCh38, 1-based): chr15:33,562,975, G>A. VCF-style: chr15-33562975-G-A. GRCh37 (hg19) VCF-style: chr15-33855176-G-A.
Other names: c.1111G>A, p.Ala371Thr (NM_001243996.4); short protein forms A371T.
Identifiers: ClinVar variation 844257 (VCV000844257.9), dbSNP rs771648147, ClinGen allele CA7458021.